The following is an entry in ClinVar:

NM_000533.5(PLP1):c.752T>C (p.Leu251Pro)

Genes: PLP1 (proteolipid protein 1; plus strand), RAB9B (RAB9B, member RAS oncogene family; minus strand). Cytogenetic location: Xq22.2.
Variant type: single nucleotide variant.
Coding change: c.752T>C on transcript NM_000533.5 (MANE Select); coding-DNA position 752, T replaced by C.
Protein change: p.Leu251Pro; replaces leucine 251 with proline.
Molecular consequence: missense variant.
Genome position (GRCh38, 1-based): chrX:103,789,388, T>C. VCF-style: chrX-103789388-T-C. GRCh37 (hg19) VCF-style: chrX-103044317-T-C.
Other names: c.752T>C, p.Leu251Pro (NM_001128834.3); c.587T>C, p.Leu196Pro (NM_001305004.1); c.647T>C, p.Leu216Pro (NM_199478.3); short protein forms L196P, L216P, L251P.
Identifiers: ClinVar variation 3255455 (VCV003255455.2), dbSNP rs2522323163.

ClinVar aggregate classification (germline): Likely pathogenic (1 of 4 stars; one submission).

Conditions:
Pelizaeus-Merzbacher disease. Also called: LEUKODYSTROPHY, HYPOMYELINATING, 1; Sudanophilic leukodystrophy; Pelizaeus-Merzbacher spectrum disorder; Pelizaeus-Merzbacher Disease (PMD); Pelizeaus-Merzbacher spectrum disorder. Identifiers: Orphanet 702, MedGen C0205711, MONDO:0010714, OMIM 312080, HP:0003269.

Submission:

Molecular Diagnostics Lab, Nemours Children's Health, Delaware
Classification: Likely pathogenic for Pelizaeus-Merzbacher disease. Last evaluated: 2022-02-04. Review status: criteria provided, single submitter. Criteria: ACMG Guidelines, 2015. Collection method: clinical testing. Allele origin: maternal, unknown. Inheritance: X-linked inheritance. Affected: yes and no. Observed: 1 heterozygote, 1 hemizygote.
Comment: This missense variant (c.752T>C, p.Leu251Pro) has not been observed in population databases (gnomAD). It has not been described in the literature. Variant prediction programs support a deleterious effect on the protein, but functional studies have not been reported.